The following is an entry in ClinVar:

ClinVar aggregate classification (germline): Uncertain significance (1 of 4 stars; one submission).

Conditions:
Congenital adrenal hyperplasia due to cytochrome P450 oxidoreductase deficiency. Also called: DISORDERED STEROIDOGENESIS DUE TO POR DEFICIENCY. Identifiers: Orphanet 95699, MedGen C1860042, MONDO:0013310, OMIM 613571.

gnomAD v4.1: 1 of 1,612,630 alleles (0.000062%); highest among the groups gnomAD compares: Non-Finnish European, 0.000085%; no homozygotes.

Submission:

Labcorp Genetics (formerly Invitae), Labcorp
Classification: Uncertain significance for Congenital adrenal hyperplasia due to cytochrome P450 oxidoreductase deficiency. Last evaluated: 2024-07-23. Review status: criteria provided, single submitter. Criteria: Invitae Variant Classification Sherloc (09022015). Collection method: clinical testing. Allele origin: germline.
Comment: This sequence change replaces aspartic acid, which is acidic and polar, with asparagine, which is neutral and polar, at codon 280 of the POR protein (p.Asp280Asn). This variant is present in population databases (rs781866008, gnomAD 0.0009%). This variant has not been reported in the literature in individuals affected with POR-related conditions. Advanced modeling of protein sequence and biophysical properties (such as structural, functional, and spatial information, amino acid conservation, physicochemical variation, residue mobility, and thermodynamic stability) performed at Invitae indicates that this missense variant is not expected to disrupt POR protein function with a negative predictive value of 80%. In summary, the available evidence is currently insufficient to determine the role of this variant in disease. Therefore, it has been classified as a Variant of Uncertain Significance.

NM_001395413.1(POR):c.829G>A (p.Asp277Asn)

Genes: POR (cytochrome p450 oxidoreductase; plus strand), LOC126860075 (CDK7 strongly-dependent group 2 enhancer GRCh37_chr7:75612087-75613286; plus strand). Cytogenetic location: 7q11.23.
Variant type: single nucleotide variant.
Coding change: c.829G>A on transcript NM_001395413.1 (MANE Select); coding-DNA position 829, G replaced by A.
Protein change: p.Asp277Asn; replaces aspartic acid 277 with asparagine.
Molecular consequence: missense variant.
Genome position (GRCh38, 1-based): chr7:75,983,527, G>A. VCF-style: chr7-75983527-G-A. GRCh37 (hg19) VCF-style: chr7-75612845-G-A.
Other names: c.829G>A, p.Asp277Asn (NM_001367562.3, NM_001382657.2, NM_001382658.3 and 2 more transcripts); c.883G>A, p.Asp295Asn (NM_001382655.3); short protein forms D277N, D295N.
Identifiers: ClinVar variation 3671500 (VCV003671500.2).